The following is an entry in ClinVar:

NM_007294.4(BRCA1):c.5164T>C (p.Ser1722Pro)

Gene: BRCA1 (BRCA1 DNA repair associated; minus strand). Cytogenetic location: 17q21.31.
Variant type: single nucleotide variant.
Coding change: c.5164T>C on transcript NM_007294.4 (MANE Select); coding-DNA position 5164, T replaced by C.
Protein change: p.Ser1722Pro; replaces serine 1722 with proline.
Molecular consequence: missense variant. On other transcripts: non-coding transcript variant (1).
Genome position (GRCh38, 1-based): chr17:43,063,362, A>G on the plus strand (T>C on the coding strand, the complement: BRCA1 is on the minus strand). VCF-style: chr17-43063362-A-G. GRCh37 (hg19) VCF-style: chr17-41215379-A-G.
Other names: c.4951T>C, p.Ser1651Pro (NM_001407571.1, NM_001407897.1, NM_001407898.1 and 12 more transcripts); c.5230T>C, p.Ser1744Pro (NM_001407581.1, NM_001407582.1); c.5227T>C, p.Ser1743Pro (NM_001407583.1, NM_001407585.1, NM_001407587.1 and 1 more transcripts); c.5224T>C, p.Ser1742Pro (NM_001407590.1, NM_001407591.1); c.5164T>C, p.Ser1722Pro (NM_001407593.1, NM_001407594.1, NM_001407596.1 and 7 more transcripts); c.5161T>C, p.Ser1721Pro (NM_001407610.1, NM_001407611.1, NM_001407612.1 and 17 more transcripts); c.5158T>C, p.Ser1720Pro (NM_001407627.1, NM_001407628.1, NM_001407629.1 and 14 more transcripts); c.5152T>C, p.Ser1718Pro (NM_001407646.1); and 72 more; short protein forms S1722P, S1675P, S1743P, S618P, S1553P, S1634P, S1652P, S1653P.
Identifiers: ClinVar variation 125791 (VCV000125791.11), dbSNP rs483353100, ClinGen allele CA003317.

ClinVar aggregate classification (germline): Likely pathogenic. Review status: criteria provided, multiple submitters, no conflicts (2 of 4 stars). 4 submissions from 4 submitters: Likely pathogenic (2). 2 of the submissions do not count toward it. Last evaluated 2021-04-09.

Conditions:
Hereditary cancer-predisposing syndrome. Also called: Tumor predisposition; Hereditary neoplastic syndrome; Hereditary Cancer Syndrome; Neoplastic Syndromes, Hereditary. Identifiers: Orphanet 140162, MedGen C0027672, MeSH D009386, MONDO:0015356.
Breast-ovarian cancer, familial, susceptibility to, 1 (BROVCA1). Also called: BRCA1 Hereditary Breast and Ovarian Cancer; OVARIAN CANCER, SUSCEPTIBILITY TO. Identifiers: Orphanet 145, MedGen C2676676, MONDO:0011450, OMIM 604370. Disease mechanism: loss of function.

Submissions (5):

Ambry Genetics
Classification: Likely pathogenic for Hereditary cancer-predisposing syndrome. Last evaluated: 2021-04-09. Review status: criteria provided, single submitter. Criteria: Ambry Variant Classification Scheme 2023. Collection method: clinical testing. Allele origin: germline.
Comment: The p.S1722P variant (also known as c.5164T>C and 5283T>C), located in coding exon 17 of the BRCA1 gene, results from a T to C substitution at nucleotide position 5164. The serine at codon 1722 is replaced by proline, an amino acid with similar properties. One functional study found that this nucleotide substitution is deleterious in a high throughput genome editing haploid cell survival assay (Findlay GM et al. Nature. 2018 Oct;562(7726):217-222). In addition, structural and functional analyses of another amino acid substitution at codon 1722, p.S1722F, have demonstrated significantly decreased protease sensitivity, peptide binding activity, peptide binding specificity, and transcriptional activity compared to wild type BRCA1, indicating that this position is functionally important (Mirkovic N et al. Cancer Res. 2004 Jun 1;64(11):3790-7; Lee MS et al. Cancer Res. 2010 Jun 15;70(12):4880-90). Based on internal structural analysis, S1722P sits on an alpha-helix in the BRCT1 domain and is expected to increasing the energy of the structure, resulting in an anticipated decrease in overall structural stability (Ambry internal data; Joo WS et al. Genes Dev., 2002 Mar;16:583-93). In addition, this alteration is predicted to be deleterious by in silico analysis. Based on the majority of available evidence to date, this variant is likely to be pathogenic.

Color Diagnostics, LLC DBA Color Health
Classification: Likely pathogenic for Hereditary cancer-predisposing syndrome. Last evaluated: 2020-07-27. Review status: criteria provided, single submitter. Criteria: ACMG Guidelines, 2015. Collection method: clinical testing. Allele origin: germline.
Comment: This missense variant replaces serine with proline at codon 1722 in the BRCT1 domain of the BRCA1 protein. Computational prediction is inconclusive regarding the impact of this variant on protein structure and function (internally defined REVEL score threshold 0.5 < inconclusive < 0.7, PMID: 27666373). Functional studies have shown that this variant significantly impacts transcriptional activation and protein binding/stability in yeast or mammalian cells; or viability in mutated haploid cells (PMID: 12496477, 20516115, 28781887, 30209399). To our knowledge, this variant has reported in individual(s) affected with breast cancer in the literature (PMID: 22476429). This variant has not been identified in the general population by the Genome Aggregation Database (gnomAD). Based on the available evidence, this variant is classified as Likely Pathogenic.

BRCAlab, Lund University
Classification: Likely pathogenic for Breast-ovarian cancer, familial, susceptibility to, 1. Last evaluated: 2024-01-17. Review status: no assertion criteria provided. Collection method: clinical testing. Allele origin: germline. Affected: yes. Not counted in ClinVar's aggregate classification.

Breast Cancer Information Core (BIC) (BRCA1)
Classification: Uncertain significance for Breast-ovarian cancer, familial 1. Last evaluated: 2011-09-24. Review status: no assertion criteria provided. Collection method: clinical testing. Allele origin: germline. Affected: yes. Observed: 2 variant alleles. Not counted in ClinVar's aggregate classification.

Brotman Baty Institute, University of Washington
No classification provided (evidence only). Condition: Breast-ovarian cancer, familial 1. Review status: no classification provided. Collection method: in vitro. Allele origin: not applicable. Functional consequence: functionally_abnormal. Not counted in ClinVar's aggregate classification.
ClinVar note: "not provided" was previously submitted as the classification for the variant. However, the classification appeared to be based only on an observation of functional data so it was converted to no classification on 2025-07-30.

Literature cited by the submitters: PubMed 11877378 (cited by Ambry Genetics); PubMed 15172985 (cited by Ambry Genetics); PubMed 20516115 (cited by Ambry Genetics); PubMed 28781887 (cited by Ambry Genetics); PubMed 30209399 (cited by Ambry Genetics).